The following is an entry in ClinVar:

ClinVar aggregate classification (germline): Conflicting classifications of pathogenicity. Review status: criteria provided, conflicting classifications (1 of 4 stars). 2 submissions from 2 submitters: Uncertain significance (1); Likely benign (1). Last evaluated 2025-12-22.

Conditions:
Hereditary cancer-predisposing syndrome. Also called: Hereditary neoplastic syndrome; Neoplastic Syndromes, Hereditary; Tumor predisposition; Hereditary Cancer Syndrome. Identifiers: Orphanet 140162, MedGen C0027672, MeSH D009386, MONDO:0015356.
Renal cell carcinoma. Identifiers: Orphanet 217071, MedGen C0007134, MeSH D002292, MONDO:0005086, HP:0005584.

Submissions (2):

Ambry Genetics
Classification: Uncertain significance for Hereditary cancer-predisposing syndrome. Last evaluated: 2025-12-22. Review status: criteria provided, single submitter. Criteria: Ambry Variant Classification Scheme 2023. Collection method: clinical testing. Allele origin: germline.
Comment: The c.2316C>T variant (also known as p.A772A), located in coding exon 9 of the MET gene, results from a C to T substitution at nucleotide position 2316. This nucleotide substitution does not change the amino acid at codon 772. This nucleotide position is highly conserved in available vertebrate species. In silico splice site analysis for this alteration is inconclusive. Based on the available evidence, the clinical significance of this variant remains unclear.

Labcorp Genetics (formerly Invitae), Labcorp
Classification: Likely benign for Renal cell carcinoma. Last evaluated: 2024-11-04. Review status: criteria provided, single submitter. Criteria: Invitae Variant Classification Sherloc (09022015). Collection method: clinical testing. Allele origin: germline.

NM_000245.4(MET):c.2265-3C>T

Gene: MET (MET proto-oncogene, receptor tyrosine kinase; plus strand). Cytogenetic location: 7q31.2.
Variant type: single nucleotide variant.
Coding change: c.2265-3C>T on transcript NM_000245.4 (MANE Select); 3 bases into the intron before coding-DNA position 2265, C replaced by T.
Molecular consequence: intron variant. On other transcripts: synonymous variant (1).
Genome position (GRCh38, 1-based): chr7:116,759,388, C>T. VCF-style: chr7-116759388-C-T. GRCh37 (hg19) VCF-style: chr7-116399442-C-T.
Other names: c.2316C>T, p.Ala772= (NM_001127500.3); c.975-3C>T (NM_001324402.2); c.2265-3C>T (NM_001324401.3).
Identifiers: ClinVar variation 2189896 (VCV002189896.5), dbSNP rs2116937444, ClinGen allele CA457217180.